The following is an entry in ClinVar:

ClinVar aggregate classification (germline): Benign. Review status: criteria provided, multiple submitters, no conflicts (2 of 4 stars). 2 submissions from 2 submitters: Benign (2). Last evaluated 2018-01-13.

Conditions:
Methylmalonic aciduria, cblB type (MACB). Also called: Vitamin B12-responsive methylmalonic acidemia type cblB; METHYLMALONIC ACIDURIA, VITAMIN B12-RESPONSIVE, DUE TO DEFECT IN SYNTHESIS OF ADENOSYLCOBALAMIN, cblB TYPE; Methylmalonic acidemia cblB type. Identifiers: Orphanet 28, Orphanet 79311, MedGen C1855102, MONDO:0009614, OMIM 251110.

Allele frequency attached by ClinVar (database versions not stated): TOPMed 0.11944; ExAC 0.01970; gnomAD 0.10285 and 0.10789; 1000 Genomes Project 0.12879; gnomAD exomes 0.03206 and 0.04880; 1000 Genomes Project 30x 0.13148.

Submissions (2):

Illumina Laboratory Services, Illumina
Classification: Benign for Methylmalonic aciduria, cblB type. Last evaluated: 2018-01-13. Review status: criteria provided, single submitter. Criteria: ICSL Variant Classification Criteria 13 December 2019. Collection method: clinical testing. Allele origin: germline.
Comment: This variant was observed in the ICSL laboratory as part of a predisposition screen in an ostensibly healthy population. It had not been previously curated by ICSL or reported in the Human Gene Mutation Database (HGMD: prior to June 1st, 2018), and was therefore a candidate for classification through an automated scoring system. Utilizing variant allele frequency, disease prevalence and penetrance estimates, and inheritance mode, an automated score was calculated to assess if this variant is too frequent to cause the disease. Based on the score and internal cut-off values, a variant classified as benign is not then subjected to further curation. The score for this variant resulted in a classification of benign for this disease.

Breakthrough Genomics
Classification: Benign. Review status: criteria provided, single submitter. Criteria: ACMG Guidelines, 2015. Collection method: not provided. Allele origin: germline. Inheritance: Autosomal recessive inheritance. Affected: yes.

NM_052845.4(MMAB):c.*1952T>C

Gene: MMAB (metabolism of cobalamin associated B; minus strand). Cytogenetic location: 12q24.11.
Variant type: single nucleotide variant.
Coding change: c.*1952T>C on transcript NM_052845.4 (MANE Select); 1952 bases downstream of the stop codon, T replaced by C.
Molecular consequence: 3 prime UTR variant. On other transcripts: non-coding transcript variant (1).
Genome position (GRCh38, 1-based): chr12:109,555,076, A>G on the plus strand (T>C on the coding strand, the complement: MMAB is on the minus strand). VCF-style: chr12-109555076-A-G. GRCh37 (hg19) VCF-style: chr12-109992881-A-G.
Identifiers: ClinVar variation 307019 (VCV000307019.6), dbSNP rs61940463, ClinGen allele CA6778563.